The following is an entry in ClinVar:

ClinVar aggregate classification (germline): Uncertain significance (1 of 4 stars; one submission).

Conditions:
Alstrom syndrome (ALMS). Identifiers: Orphanet 64, MedGen C0268425, MONDO:0008763, OMIM 203800.

Submission:

Labcorp Genetics (formerly Invitae), Labcorp
Classification: Uncertain significance for Alstrom syndrome. Last evaluated: 2022-02-03. Review status: criteria provided, single submitter. Criteria: Invitae Variant Classification Sherloc (09022015). Collection method: clinical testing. Allele origin: germline.
Comment: This sequence change replaces aspartic acid, which is acidic and polar, with valine, which is neutral and non-polar, at codon 2316 of the ALMS1 protein (p.Asp2316Val). This variant is not present in population databases (gnomAD no frequency). This variant has not been reported in the literature in individuals affected with ALMS1-related conditions. Experimental studies and prediction algorithms are not available or were not evaluated, and the functional significance of this variant is currently unknown. In summary, the available evidence is currently insufficient to determine the role of this variant in disease. Therefore, it has been classified as a Variant of Uncertain Significance.

NM_001378454.1(ALMS1):c.6944A>T (p.Asp2315Val)

Gene: ALMS1 (ALMS1 centrosome and basal body associated protein; plus strand). Cytogenetic location: 2p13.1.
Variant type: single nucleotide variant.
Coding change: c.6944A>T on transcript NM_001378454.1 (MANE Select); coding-DNA position 6944, A replaced by T.
Protein change: p.Asp2315Val; replaces aspartic acid 2315 with valine.
Molecular consequence: missense variant.
Genome position (GRCh38, 1-based): chr2:73,453,471, A>T. VCF-style: chr2-73453471-A-T. GRCh37 (hg19) VCF-style: chr2-73680598-A-T.
Other names: c.6947A>T, p.Asp2316Val (NM_015120.4); short protein forms D2316V, D2315V.
Identifiers: ClinVar variation 1479361 (VCV001479361.6), dbSNP rs2103792016, ClinGen allele CA347290172.